The following is an entry in ClinVar:

ClinVar aggregate classification (germline): Conflicting classifications of pathogenicity. Review status: criteria provided, conflicting classifications (1 of 4 stars). 6 submissions from 6 submitters: Uncertain significance (1); Likely benign (3). 2 of the submissions do not count toward it. Last evaluated 2026-01-13.

Conditions:
Methylcrotonyl-CoA carboxylase deficiency. Also called: 3 Methylcrotonylglycinuria; 3-MCC Deficiency; Deficiency of methylcrotonoyl-CoA carboxylase. Identifiers: Orphanet 6, MedGen C4551505, MONDO:0018950.
Inborn genetic diseases. Identifiers: MedGen C0950123, MeSH D030342.
MCCC1-related disorder. Also called: MCCC1-related condition.
3-methylcrotonyl-CoA carboxylase 1 deficiency (MCC1D). Also called: METHYLCROTONYLGLYCINURIA TYPE I; MCCD TYPE 1; MCC 1 deficiency; 3 Alpha methylcrotonylglycinuria 1. Identifiers: Orphanet 6, MedGen CN028786, MONDO:0008861, OMIM 210200.

Allele frequency attached by ClinVar (database versions not stated): gnomAD exomes 0.00008 and 0.00022; ExAC 0.00025; ESP Exome Variant Server 0.00038; gnomAD 0.00063 and 0.00068; TOPMed 0.00077; 1000 Genomes Project 30x 0.00109; 1000 Genomes Project 0.00120.
gnomAD v4.1: 223 of 1,614,150 alleles (0.014%); highest among the groups gnomAD compares: African/African-American, 0.24%; no homozygotes.

Submissions (7):

Labcorp Genetics (formerly Invitae), Labcorp
Classification: Likely benign for 3-methylcrotonyl-CoA carboxylase 1 deficiency. Last evaluated: 2026-01-13. Review status: criteria provided, single submitter. Criteria: Invitae Variant Classification Sherloc (09022015). Collection method: clinical testing. Allele origin: germline.

Ambry Genetics
Classification: Likely benign for Inborn genetic diseases. Last evaluated: 2025-02-18. Review status: criteria provided, single submitter. Criteria: Ambry Variant Classification Scheme 2023. Collection method: clinical testing. Allele origin: germline.

Revvity Omics, Revvity
Classification: Uncertain significance for 3-methylcrotonyl-CoA carboxylase 1 deficiency. Last evaluated: 2023-08-24. Review status: criteria provided, single submitter. Criteria: ACMG Guidelines, 2015. Collection method: clinical testing. Allele origin: germline.

Breakthrough Genomics
Classification: Likely benign. Review status: criteria provided, single submitter. Criteria: ACMG Guidelines, 2015. Collection method: not provided. Allele origin: germline. Inheritance: Autosomal recessive inheritance. Affected: yes.

PreventionGenetics, part of Exact Sciences
Classification: Likely benign for MCCC1-related condition. Last evaluated: 2023-01-27. Review status: no assertion criteria provided. Collection method: clinical testing. Allele origin: germline. Not counted in ClinVar's aggregate classification.
Comment: This variant is classified as likely benign based on ACMG/AMP sequence variant interpretation guidelines (Richards et al. 2015 PMID: 25741868, with internal and published modifications).

Natera, Inc.
Classification: Uncertain significance for 3-methylcrotonylglycinuria. Last evaluated: 2020-04-23. Review status: no assertion criteria provided. Collection method: clinical testing. Allele origin: germline. Not counted in ClinVar's aggregate classification.

Dr. Peter K. Rogan Lab, Western University
No classification provided (evidence only). Condition: Sarcoma. Review status: no classification provided. Collection method: in vitro. Allele origin: not applicable. Functional consequence: retained intron. Not counted in ClinVar's aggregate classification.

NM_020166.5(MCCC1):c.1337C>T (p.Ala446Val)

Gene: MCCC1 (methylcrotonyl-CoA carboxylase subunit 1; minus strand). Cytogenetic location: 3q27.1.
Variant type: single nucleotide variant.
Coding change: c.1337C>T on transcript NM_020166.5 (MANE Select); coding-DNA position 1337, C replaced by T.
Protein change: p.Ala446Val; replaces alanine 446 with valine.
Molecular consequence: missense variant. On other transcripts: non-coding transcript variant (2).
Genome position (GRCh38, 1-based): chr3:183,039,066, G>A on the plus strand (C>T on the coding strand, the complement: MCCC1 is on the minus strand). VCF-style: chr3-183039066-G-A. GRCh37 (hg19) VCF-style: chr3-182756854-G-A.
Other names: c.1337C>T (NM_020166.3); c.986C>T, p.Ala329Val (NM_001293273.2); c.1010C>T, p.Ala337Val (NM_001363880.1); short protein forms A337V, A329V, A446V.
Identifiers: ClinVar variation 697506 (VCV000697506.19), dbSNP rs144182725, ClinGen allele CA2718809.